The following is an entry in ClinVar:

ClinVar aggregate classification (germline): Uncertain significance (1 of 4 stars; one submission).

Conditions:
CLCN3-related disorder. Also called: CLCN3-related condition.

Submission:

PreventionGenetics, part of Exact Sciences
Classification: Uncertain significance for CLCN3-related condition. Last evaluated: 2026-05-23. Review status: criteria provided, single submitter. Criteria: ACMG Guidelines, 2015. Collection method: clinical testing. Allele origin: germline.
Comment: The CLCN3 c.1048T>C variant is predicted to result in the amino acid substitution p.Trp350Arg. To our knowledge, this variant has not been reported in the literature or in a large population database (gnomAD), indicating this variant is rare. At this time, the clinical significance of this variant is uncertain due to the absence of conclusive functional and genetic evidence.

NM_001829.4(CLCN3):c.1048T>C (p.Trp350Arg)

Gene: CLCN3 (Cl-/H+ antiporter 3; plus strand). Cytogenetic location: 4q33.
Variant type: single nucleotide variant.
Coding change: c.1048T>C on transcript NM_001829.4 (MANE Select); coding-DNA position 1048, T replaced by C.
Protein change: p.Trp350Arg; replaces tryptophan 350 with arginine.
Molecular consequence: missense variant.
Genome position (GRCh38, 1-based): chr4:169,697,219, T>C. VCF-style: chr4-169697219-T-C. GRCh37 (hg19) VCF-style: chr4-170618370-T-C.
Other names: c.967T>C, p.Trp323Arg (NM_001243372.2, NM_001243374.2); c.1048T>C, p.Trp350Arg (NM_173872.4); short protein forms W323R, W350R.
Identifiers: ClinVar variation 4993843 (VCV004993843.1).